The following is an entry in ClinVar:

ClinVar aggregate classification (germline): Uncertain significance (1 of 4 stars; one submission).

Conditions:
Cardiovascular phenotype. Identifiers: MedGen CN230736.

Submission:

Ambry Genetics
Classification: Uncertain significance for Cardiovascular phenotype. Last evaluated: 2026-06-09. Review status: criteria provided, single submitter. Criteria: Ambry Variant Classification Scheme 2023. Collection method: clinical testing. Allele origin: germline.
Comment: The p.L908V variant (also known as c.2722C>G), located in coding exon 11 of the RBM20 gene, results from a C to G substitution at nucleotide position 2722. The leucine at codon 908 is replaced by valine, an amino acid with highly similar properties. This amino acid position is conserved. In addition, the in silico prediction for this alteration is inconclusive. Based on the available evidence, the clinical significance of this variant remains unclear.

NM_001134363.3(RBM20):c.2722C>G (p.Leu908Val)

Gene: RBM20 (RNA binding motif protein 20; plus strand). Cytogenetic location: 10q25.2.
Variant type: single nucleotide variant.
Coding change: c.2722C>G on transcript NM_001134363.3 (MANE Select); coding-DNA position 2722, C replaced by G.
Protein change: p.Leu908Val; replaces leucine 908 with valine.
Molecular consequence: missense variant.
Genome position (GRCh38, 1-based): chr10:110,821,341, C>G. VCF-style: chr10-110821341-C-G. GRCh37 (hg19) VCF-style: chr10-112581099-C-G.
Other names: short protein forms L908V.
Identifiers: ClinVar variation 4863077 (VCV004863077.1).